The following is an entry in ClinVar:

NM_005257.6(GATA6):c.911G>A (p.Gly304Asp)

Gene: GATA6 (GATA binding protein 6; plus strand). Cytogenetic location: 18q11.2.
Variant type: single nucleotide variant.
Coding change: c.911G>A on transcript NM_005257.6 (MANE Select); coding-DNA position 911, G replaced by A.
Protein change: p.Gly304Asp; replaces glycine 304 with aspartic acid.
Molecular consequence: missense variant.
Genome position (GRCh38, 1-based): chr18:22,172,055, G>A. VCF-style: chr18-22172055-G-A. GRCh37 (hg19) VCF-style: chr18-19752016-G-A.
Other names: short protein forms G304D.
Identifiers: ClinVar variation 4531043 (VCV004531043.1).

ClinVar aggregate classification (germline): Uncertain significance (1 of 4 stars; one submission).

gnomAD v4.1: 2 of 1,278,406 alleles (0.00016%); highest among the groups gnomAD compares: Non-Finnish European, 0.0002%; no homozygotes.

Submission:

GeneDx
Classification: Uncertain significance. Last evaluated: 2025-05-23. Review status: criteria provided, single submitter. Criteria: GeneDx Variant Classification Process June 2021. Collection method: clinical testing. Allele origin: germline. Affected: yes.
Comment: Not observed at significant frequency in large population cohorts (gnomAD); In silico analysis suggests that this missense variant does not alter protein structure/function; Has not been previously published as pathogenic or benign to our knowledge